The following is an entry in ClinVar:

NM_176869.3(PPA2):c.71C>T (p.Ala24Val)

Gene: PPA2 (inorganic pyrophosphatase 2; minus strand). Cytogenetic location: 4q24.
Variant type: single nucleotide variant.
Coding change: c.71C>T on transcript NM_176869.3 (MANE Select); coding-DNA position 71, C replaced by T.
Protein change: p.Ala24Val; replaces alanine 24 with valine.
Molecular consequence: missense variant.
Genome position (GRCh38, 1-based): chr4:105,473,980, G>A on the plus strand (C>T on the coding strand, the complement: PPA2 is on the minus strand). VCF-style: chr4-105473980-G-A. GRCh37 (hg19) VCF-style: chr4-106395137-G-A.
Other names: c.71C>T (NM_176869.2); c.71C>T, p.Ala24Val (NM_006903.4, NM_176866.2, NM_176867.3); short protein forms A24V.
Identifiers: ClinVar variation 2413951 (VCV002413951.5), dbSNP rs749968827, ClinGen allele CA3032855.
Genomic context (GRCh38, chr4:105,473,980, plus strand): 5'-CAGGGCTGGCCGCGCTCCTCAGTGTGGTACAGGGCCATAGCACGGCGCGACCCGGTCCCT[G>A]CACTGGTCCCCAACCGCAGGCACGCAGCGGCTGGGGCACCCGTGCGCAGCAGCCGCAGCA-3'
Protein context (NP_789845.1, residues 14-34): AAACLRLGTS[Ala24Val]GTGSRRAMAL

ClinVar aggregate classification (germline): Conflicting classifications of pathogenicity. Review status: criteria provided, conflicting classifications (1 of 4 stars). 4 submissions from 4 submitters: Uncertain significance (3); Likely benign (1). Last evaluated 2025-10-30.

Conditions:
Inborn genetic diseases. Identifiers: MedGen C0950123, MeSH D030342.

Allele frequency attached by ClinVar (database versions not stated): TOPMed below 0.00001; gnomAD 0.00001; ExAC 0.00002; gnomAD exomes 0.00003.
gnomAD v4.1: 40 of 1,610,146 alleles (0.0025%); highest among the groups gnomAD compares: Middle Eastern, 0.016%; no homozygotes.

Submissions (4):

Ambry Genetics
Classification: Uncertain significance for Inborn genetic diseases. Last evaluated: 2025-10-30. Review status: criteria provided, single submitter. Criteria: Ambry Variant Classification Scheme 2023. Collection method: clinical testing. Allele origin: germline.

GeneDx
Classification: Uncertain significance. Last evaluated: 2025-06-30. Review status: criteria provided, single submitter. Criteria: GeneDx Variant Classification Process June 2021. Collection method: clinical testing. Allele origin: germline. Affected: yes.
Comment: Not observed at significant frequency in large population cohorts (gnomAD); In silico analysis suggests that this missense variant does not alter protein structure/function; Has not been previously published as pathogenic or benign to our knowledge

Blueprint Genetics
Classification: Likely benign. Last evaluated: 2023-12-21. Review status: criteria provided, single submitter. Criteria: ACMG Guidelines, 2015. Collection method: clinical testing. Allele origin: germline.

Labcorp Genetics (formerly Invitae), Labcorp
Classification: Uncertain significance. Last evaluated: 2022-03-26. Review status: criteria provided, single submitter. Criteria: Invitae Variant Classification Sherloc (09022015). Collection method: clinical testing. Allele origin: germline.
Comment: This sequence change replaces alanine, which is neutral and non-polar, with valine, which is neutral and non-polar, at codon 24 of the PPA2 protein (p.Ala24Val). The frequency data for this variant in the population databases is considered unreliable, as metrics indicate poor data quality at this position in the gnomAD database. This variant has not been reported in the literature in individuals affected with PPA2-related conditions. Algorithms developed to predict the effect of missense changes on protein structure and function (SIFT, PolyPhen-2, Align-GVGD) all suggest that this variant is likely to be tolerated. In summary, the available evidence is currently insufficient to determine the role of this variant in disease. Therefore, it has been classified as a Variant of Uncertain Significance.